The following is an entry in ClinVar:

NM_001042492.3(NF1):c.1185+1G>T

Gene: NF1 (neurofibromin 1; plus strand). Cytogenetic location: 17q11.2.
Variant type: single nucleotide variant.
Coding change: c.1185+1G>T on transcript NM_001042492.3 (MANE Select); the canonical splice donor site of the intron after coding-DNA position 1185, G replaced by T.
Molecular consequence: splice donor variant.
Genome position (GRCh38, 1-based): chr17:31,201,160, G>T. VCF-style: chr17-31201160-G-T. GRCh37 (hg19) VCF-style: chr17-29528178-G-T.
Other names: c.1185+1G>T (NM_000267.4, NM_001128147.3, NM_001042492.2).
Identifiers: ClinVar variation 962619 (VCV000962619.38), dbSNP rs864622161, ClinGen allele CA398997363.
Genomic context (GRCh38, chr17:31,201,160, plus strand): 5'-ATGATTGACTGCCTTGTTTCTTGCTTTCGTATAAGCCCTCACAACAACCAACACTTTAAG[G>T]TGAGAGCATTGGTTTTTATCTAACTATATTTACTGATGCTGTTATCCTTTATAAACAAAA-3'

ClinVar aggregate classification (germline): Pathogenic/Likely pathogenic. Review status: criteria provided, multiple submitters, no conflicts (2 of 4 stars). 9 submissions from 9 submitters: Pathogenic (7); Likely pathogenic (1). 1 of the submissions does not count toward it. Last evaluated 2026-10-06.

Conditions:
NF1-related disorder. Also called: NF1-related condition. Identifiers: MedGen CN379171.
Neurofibromatosis, type 1 (NF1). Also called: Peripheral type neurofibromatosis; NEUROFIBROMATOSIS, TYPE I, SOMATIC; Neurofibromatosis, type I; VON RECKLINGHAUSEN DISEASE. Identifiers: Orphanet 636, MedGen C0027831, MONDO:0018975, OMIM 162200. Disease mechanism: loss of function.
Cardiovascular phenotype. Identifiers: MedGen CN230736.
Hereditary cancer-predisposing syndrome. Also called: Tumor predisposition; Hereditary Cancer Syndrome; Hereditary neoplastic syndrome; Neoplastic Syndromes, Hereditary. Identifiers: Orphanet 140162, MedGen C0027672, MeSH D009386, MONDO:0015356.
Abnormality of the skin. Identifiers: MedGen C5848159, HP:0000951.

Submissions (9):

NHS Central & South Genomic Laboratory Hub
Classification: Pathogenic for Neurofibromatosis type 1. Last evaluated: 2026-10-06. Review status: criteria provided, single submitter. Criteria: ACMG Guidelines, 2015. Collection method: clinical testing. Allele origin: germline. Affected: yes.

Ambry Genetics
Classification: Pathogenic for Cardiovascular phenotype; Hereditary cancer-predisposing syndrome. Last evaluated: 2025-11-05. Review status: criteria provided, single submitter. Criteria: Ambry Variant Classification Scheme 2023. Collection method: clinical testing. Allele origin: germline.
Comment: The c.1185+1G>T intronic pathogenic mutation results from a G to T substitution one nucleotide after coding exon 10 of the NF1 gene. Alterations that disrupt the canonical splice site are expected to cause aberrant splicing. This variant was reported in individuals with features consistent with neurofibromatosis type 1 and was determined to be de novo in at least one individual (Horn D et al. Electrophoresis, 1996 Oct;17:1559-63; Ambry internal data). Other variants impacting the same donor site (c.1185+1G>A, c.1185+5G>C) have been shown to have a similar impact on splicing in individuals with features consistent with neurofibromatosis type 1 (Ercolino T et al. Gene, 2014 Feb;536:332-5; Anastasaki C et al. Hum Mol Genet, 2015 Jun;24:3518-28; Riva M et al. Genes Chromosomes Cancer, 2022 Jan;61:10-21; Ko JM et al. Pediatr Neurol, 2013 Jun;48:447-53; Wang W et al. Mol Biol Rep, 2019 Aug;46:4349-4359; Yao R et al. Genes (Basel), 2019 Oct;10:; Ambry internal data). This nucleotide position is highly conserved in available vertebrate species. In silico splice site analysis predicts that this alteration will weaken the native splice donor site. A resulting transcript is predicted to be in-frame and is not expected to trigger nonsense-mediated mRNAdecay; although, direct evidence is insufficient at this time (Ambry internal data). However, the region predicted to be impacted is critical for protein function (Ambry internal data). This variant is considered to be rare based on population cohorts in the Genome Aggregation Database (gnomAD). Based on the supporting evidence, this variant is interpreted as a disease-causing mutation.

GeneDx
Classification: Pathogenic. Last evaluated: 2024-05-09. Review status: criteria provided, single submitter. Criteria: GeneDx Variant Classification Process June 2021. Collection method: clinical testing. Allele origin: germline. Affected: yes.
Comment: RNA studies demonstrate a damaging effect: aberrant splicing predicted to result in a shorted protein product (PMID: 8957181); Not observed at significant frequency in large population cohorts (gnomAD); In silico analysis supports a deleterious effect on splicing; This variant is associated with the following publications: (PMID: 25525159, 10712197, 34848827, 37945316, 8957181)

Labcorp Genetics (formerly Invitae), Labcorp
Classification: Pathogenic for Neurofibromatosis, type 1. Last evaluated: 2023-03-16. Review status: criteria provided, single submitter. Criteria: Invitae Variant Classification Sherloc (09022015). Collection method: clinical testing. Allele origin: germline.
Comment: This variant is also known as G1185+1T. ClinVar contains an entry for this variant (Variation ID: 962619). This sequence change affects a donor splice site in intron 10 of the NF1 gene. RNA analysis indicates that disruption of this splice site induces altered splicing and likely results in a shortened protein product. This variant is not present in population databases (gnomAD no frequency). Disruption of this splice site has been observed in individual(s) with neurofibromatosis type 1 (PMID: 8957181, 10607834, 16835897, 18546366, 26056819). In at least one individual the variant was observed to be de novo. Studies have shown that disruption of this splice site results in skipping of exon 10 (also known as exon 8), but is expected to preserve the integrity of the reading-frame (PMID: 8957181). For these reasons, this variant has been classified as Pathogenic.

MGZ Medical Genetics Center
Classification: Likely pathogenic for Neurofibromatosis, type 1. Last evaluated: 2022-07-29. Review status: criteria provided, single submitter. Criteria: ACMG Guidelines, 2015. Collection method: clinical testing. Allele origin: germline. Affected: yes. Observed: 1 variant allele.
Comment: ACMG criteria applied: PS3, PM4, PS4_SUP, PM2_SUP

Genome-Nilou Lab
Classification: Pathogenic for Neurofibromatosis, type 1. Last evaluated: 2022-03-15. Review status: criteria provided, single submitter. Criteria: ACMG Guidelines, 2015. Collection method: clinical testing. Allele origin: germline. Affected: no.

Kariminejad - Najmabadi Pathology & Genetics Center
Classification: Pathogenic for Abnormality of the skin. Last evaluated: 2021-07-10. Review status: criteria provided, single submitter. Criteria: ACMG Guidelines, 2015. Collection method: clinical testing. Allele origin: germline. Affected: yes.

Genome Diagnostics Laboratory, The Hospital for Sick Children
Classification: Pathogenic for Neurofibromatosis, type 1. Last evaluated: 2020-10-26. Review status: criteria provided, single submitter. Criteria: ACMG Guidelines, 2015. Collection method: clinical testing. Allele origin: germline. Affected: yes.

PreventionGenetics, part of Exact Sciences
Classification: Pathogenic for NF1-related condition. Last evaluated: 2024-05-20. Review status: no assertion criteria provided. Collection method: clinical testing. Allele origin: germline. Not counted in ClinVar's aggregate classification.
Comment: The NF1 c.1185+1G>T variant is predicted to disrupt the GT donor site and interfere with normal splicing. This variant has been reported in an individual with neurofibromatosis type 1 and analysis of mRNA revealed the variant leads to inframe skipping of the exon which is predicted to result in a deletion of 41 amino acids (Horn et al. 1996. PubMed ID: 8957181). This variant has not been reported in a large population database, indicating this variant is rare. In ClinVar, this variant has been interpreted as pathogenic. Additionally, alternate substitutions affecting the same nucleotide (c.1185+1G>C, c.1185+1G>A) have been reported as pathogenic (see ClinVar IDs: 2736508, 219572). Variants that disrupt the consensus splice donor site in NF1 are expected to be pathogenic. This variant is interpreted as pathogenic.

Literature cited by the submitters: PubMed 23668869 (cited by Ambry Genetics); PubMed 24361808 (cited by Ambry Genetics); PubMed 25788518 (cited by Ambry Genetics); PubMed 31201679 (cited by Ambry Genetics); PubMed 31717729 (cited by Ambry Genetics); PubMed 34427956 (cited by Ambry Genetics); PubMed 8957181 (cited by Ambry Genetics and Labcorp Genetics (formerly Invitae), Labcorp); PubMed 10607834 (cited by Labcorp Genetics (formerly Invitae), Labcorp); PubMed 16835897 (cited by Labcorp Genetics (formerly Invitae), Labcorp); PubMed 18546366 (cited by Labcorp Genetics (formerly Invitae), Labcorp); PubMed 26056819 (cited by Labcorp Genetics (formerly Invitae), Labcorp).